The following is an entry in ClinVar:

ClinVar aggregate classification (germline): Uncertain significance (1 of 4 stars; one submission).

Conditions:
Hereditary cancer-predisposing syndrome. Also called: Neoplastic Syndromes, Hereditary; Tumor predisposition; Hereditary neoplastic syndrome; Hereditary Cancer Syndrome. Identifiers: Orphanet 140162, MedGen C0027672, MeSH D009386, MONDO:0015356.

Submission:

Ambry Genetics
Classification: Uncertain significance for Hereditary cancer-predisposing syndrome. Last evaluated: 2023-01-13. Review status: criteria provided, single submitter. Criteria: Ambry Variant Classification Scheme 2023. Collection method: clinical testing. Allele origin: germline.
Comment: The c.442-1G>A intronic variant results from a G to A substitution one nucleotide upstream from coding exon 6 of the BRCA1 gene. This nucleotide position is not well conserved in available vertebrate species. In silico splice site analysis predicts that this alteration will weaken the native splice acceptor site. Canonical splice site variants are typically considered deleterious, however, alterations at this particular splice acceptor site result in a transcript with a predicted in-frame loss of a single amino acid at the beginning of coding exon 6 (Ambry internal data; Houdayer C et al. Hum. Mutat., 2012 Aug;33:1228-38). This single amino acid loss is a naturally occurring isoform and may be referred to as &Delta;8p in some literature (Colombo M et al. Hum Mol Genet., 2014 Jul;23:3666-80). The functional and clinical significance of this single amino acid loss is unknown. Since supporting evidence is limited at this time, the clinical significance of this alteration remains unclear.

Literature cited by the submitters: PubMed 22505045; PubMed 24569164.

NM_007294.4(BRCA1):c.442-1G>A

Gene: BRCA1 (BRCA1 DNA repair associated; minus strand). Cytogenetic location: 17q21.31.
Variant type: single nucleotide variant.
Coding change: c.442-1G>A on transcript NM_007294.4 (MANE Select); the canonical splice acceptor site of the intron before coding-DNA position 442, G replaced by A.
Molecular consequence: splice acceptor variant. On other transcripts: intron variant (140).
Genome position (GRCh38, 1-based): chr17:43,099,881, C>T on the plus strand (G>A on the coding strand, the complement: BRCA1 is on the minus strand). VCF-style: chr17-43099881-C-T. GRCh37 (hg19) VCF-style: chr17-41251898-C-T.
Other names: c.301-1G>A (NM_001408458.1, NM_001407922.1, NM_001408469.1 and 61 more transcripts); c.-218-5021G>A (NM_001407967.1, NM_001407966.1); c.61-1G>A (NM_001407959.1, NM_001408512.1, NM_001408510.1 and 3 more transcripts); c.301-4G>A (NM_001407931.1, NM_001407747.1, NM_001408470.1 and 35 more transcripts); c.61-4G>A (NM_001407962.1); c.232-1G>A (NM_001407885.1, NM_001407886.1, NM_001407881.1 and 37 more transcripts); c.442-4G>A (NM_001407686.1, NM_001408397.1, NM_001407632.1 and 65 more transcripts); c.442-1G>A (NM_001408436.1, NM_001407665.1, NM_001407980.1 and 96 more transcripts); and 5 more.
Identifiers: ClinVar variation 824882 (VCV000824882.6), dbSNP rs1351019392, ClinGen allele CA10601260.
Genomic context (GRCh38, chr17:43,099,881, plus strand): 5'-TGTCCTCAGAGTTCTCACAGTTCCAAGGTTAGAGAGTTGGACACTGAGACTGGTTTCCTG[C>T]TAAACAGTATGGTAAAGAACAGTCAAGCAATTGTTGGCCAGTTCTGTGCTTTTCCTCCTG-3'